The following is an entry in ClinVar:

ClinVar aggregate classification (germline): Pathogenic (1 of 4 stars; one submission).

Conditions:
Cornelia de Lange syndrome 1 (CDLS1). Also called: Brachmann de Lange syndrome; NIPBL-Related Cornelia de Lange Syndrome; TYPUS DEGENERATIVUS AMSTELODAMENSIS. Identifiers: Orphanet 199, MedGen C4551851, MONDO:0007387, OMIM 122470.

Submission:

Labcorp Genetics (formerly Invitae), Labcorp
Classification: Pathogenic for Cornelia de Lange syndrome 1. Last evaluated: 2020-12-21. Review status: criteria provided, single submitter. Criteria: Invitae Variant Classification Sherloc (09022015). Collection method: clinical testing. Allele origin: germline.
Comment: For these reasons, this variant has been classified as Pathogenic. This variant has not been reported in the literature in individuals with NIPBL-related conditions. This variant is not present in population databases (ExAC no frequency). This sequence change creates a premature translational stop signal (p.Ser150Ilefs*67) in the NIPBL gene. It is expected to result in an absent or disrupted protein product. Loss-of-function variants in NIPBL are known to be pathogenic (PMID: 15318302, 19763162, 23505322, 29995837).

Literature cited by the submitters: PubMed 15318302; PubMed 19763162; PubMed 23505322; PubMed 29995837.

NM_133433.4(NIPBL):c.442_443dup (p.Ser150fs)

Gene: NIPBL (NIPBL cohesin loading factor; plus strand). Cytogenetic location: 5p13.2.
Variant type: Microsatellite.
Coding change: c.442_443dup on transcript NM_133433.4 (MANE Select); coding-DNA positions 442 to 443, 2 bases duplicated (TC; older notation c.442_443dupTC).
Protein change: p.Ser150fs; shifts the reading frame from serine 150.
Molecular consequence: frameshift variant.
Genome position (GRCh38, 1-based): chr5:36,961,567-36,961,568, TC duplicated; duplicating any 2 consecutive bases within chr5:36,961,565-36,961,568 gives the same sequence; the c. name uses the placement nearest the transcript's 3' end. VCF-style (leftmost placement, unchanged base first): chr5-36961564-A-ATC. GRCh37 (hg19) VCF-style: chr5-36961666-A-ATC.
Other names: c.442_443dup, p.Ser150fs (NM_015384.5); short protein forms S150fs.
Identifiers: ClinVar variation 1454751 (VCV001454751.8), dbSNP rs2149607105, ClinGen allele CA2580613546.